The following is an entry in ClinVar:

ClinVar aggregate classification (germline): Uncertain significance (1 of 4 stars; one submission).

Conditions:
SHANK1-related disorder. Also called: SHANK1-related condition.

gnomAD v4.1: 12 of 1,564,690 alleles (0.00077%); highest among the groups gnomAD compares: East Asian, 0.019%; no homozygotes.

Submission:

PreventionGenetics, part of Exact Sciences
Classification: Uncertain significance for SHANK1-related condition. Last evaluated: 2024-12-10. Review status: criteria provided, single submitter. Criteria: ACMG Guidelines, 2015. Collection method: clinical testing. Allele origin: germline.
Comment: The SHANK1 c.5833C>T variant is predicted to result in the amino acid substitution p.Pro1945Ser. To our knowledge, this variant has not been reported in the literature. This variant is reported in 0.034% of alleles in individuals of East Asian descent in gnomAD. At this time, the clinical significance of this variant is uncertain due to the absence of conclusive functional and genetic evidence.

NM_016148.5(SHANK1):c.5833C>T (p.Pro1945Ser)

Gene: SHANK1 (SH3 and multiple ankyrin repeat domains 1; minus strand). Cytogenetic location: 19q13.33.
Variant type: single nucleotide variant.
Coding change: c.5833C>T on transcript NM_016148.5 (MANE Select); coding-DNA position 5833, C replaced by T.
Protein change: p.Pro1945Ser; replaces proline 1945 with serine.
Molecular consequence: missense variant.
Genome position (GRCh38, 1-based): chr19:50,662,618, G>A on the plus strand (C>T on the coding strand, the complement: SHANK1 is on the minus strand). VCF-style: chr19-50662618-G-A. GRCh37 (hg19) VCF-style: chr19-51165875-G-A.
Other names: short protein forms P1945S.
Identifiers: ClinVar variation 4984055 (VCV004984055.1).